The following is an entry in ClinVar:

ClinVar aggregate classification (germline): Uncertain significance (1 of 4 stars; one submission).

Allele frequency attached by ClinVar (database versions not stated): ExAC 0.00001; gnomAD exomes 0.00001.

Submission:

Labcorp Genetics (formerly Invitae), Labcorp
Classification: Uncertain significance. Last evaluated: 2022-08-11. Review status: criteria provided, single submitter. Criteria: Invitae Variant Classification Sherloc (09022015). Collection method: clinical testing. Allele origin: germline.
Comment: This variant is present in population databases (rs772481653, gnomAD 0.006%). This sequence change replaces arginine, which is basic and polar, with glutamine, which is neutral and polar, at codon 337 of the TOE1 protein (p.Arg337Gln). This variant has not been reported in the literature in individuals affected with TOE1-related conditions. In summary, the available evidence is currently insufficient to determine the role of this variant in disease. Therefore, it has been classified as a Variant of Uncertain Significance. Algorithms developed to predict the effect of missense changes on protein structure and function (SIFT, PolyPhen-2, Align-GVGD) all suggest that this variant is likely to be tolerated.

NM_025077.4(TOE1):c.1010G>A (p.Arg337Gln)

Gene: TOE1 (target of EGR1, exonuclease; plus strand). Cytogenetic location: 1p34.1.
Variant type: single nucleotide variant.
Coding change: c.1010G>A on transcript NM_025077.4 (MANE Select); coding-DNA position 1010, G replaced by A.
Protein change: p.Arg337Gln; replaces arginine 337 with glutamine.
Molecular consequence: missense variant.
Genome position (GRCh38, 1-based): chr1:45,343,179, G>A. VCF-style: chr1-45343179-G-A. GRCh37 (hg19) VCF-style: chr1-45808851-G-A.
Other names: short protein forms R337Q.
Identifiers: ClinVar variation 1915416 (VCV001915416.5), dbSNP rs772481653, ClinGen allele CA826753.
Genomic context (GRCh38, chr1:45,343,179, plus strand): 5'-AGTCTCACGATATTGACCTTATCATTGACACTGATGAGGCTGCGGCAGAGGACAAGCGGC[G>A]ACGGCGACGACGTAGGGAAAAACGGAAGAGGGCTTTATTGAACCTACCGGGGACACAGAC-3'
Protein context (NP_079353.3, residues 327-347): TDEAAAEDKR[Arg337Gln]RRRRREKRKR